The following is an entry in ClinVar:

NM_206933.4(USH2A):c.9806G>A (p.Gly3269Asp)

Gene: USH2A (usherin; minus strand). Cytogenetic location: 1q41.
Variant type: single nucleotide variant.
Coding change: c.9806G>A on transcript NM_206933.4 (MANE Select); coding-DNA position 9806, G replaced by A.
Protein change: p.Gly3269Asp; replaces glycine 3269 with aspartic acid.
Molecular consequence: missense variant.
Genome position (GRCh38, 1-based): chr1:215,799,059, C>T on the plus strand (G>A on the coding strand, the complement: USH2A is on the minus strand). VCF-style: chr1-215799059-C-T. GRCh37 (hg19) VCF-style: chr1-215972401-C-T.
Other names: c.9806G>A (NM_206933.2); short protein forms G3269D.
Identifiers: ClinVar variation 1365171 (VCV001365171.7), dbSNP rs762076576, ClinGen allele CA1394202.
Genomic context (GRCh38, chr1:215,799,059, plus strand): 5'-CCATCATGAAGCCTCCCAGCACAGCAAATCTGGTTTCCTGAGGTGGAGTACGGCATTCTG[C>T]CACAGCAGGAATCACCAATGCCAACAGAAACCCGATTGTGCTGTTCATCTGGACAGCATA-3'
Protein context (NP_996816.3, residues 3259-3279): VSVGIGDSCC[Gly3269Asp]RMPYSTSGNQ

ClinVar aggregate classification (germline): Uncertain significance. Review status: criteria provided, multiple submitters, no conflicts (2 of 4 stars). 4 submissions from 3 submitters: Uncertain significance (4). Last evaluated 2025-06-19.

Conditions:
Retinitis pigmentosa 39 (RP39). Identifiers: Orphanet 791, MedGen C3151138, MONDO:0013436, OMIM 613809.
Usher syndrome type 2A. Also called: RETINAL DISEASE IN USHER SYNDROME TYPE IIA, MODIFIER OF; USHER SYNDROME, TYPE IIA. Identifiers: Orphanet 231178, Orphanet 886, MedGen C1848634, MONDO:0010169, OMIM 276901.

Allele frequency attached by ClinVar (database versions not stated): gnomAD exomes 0.00001 and 0.00002; ExAC 0.00003.
gnomAD v4.1: 16 of 1,614,090 alleles (0.00099%); highest among the groups gnomAD compares: Middle Eastern, 0.017%; no homozygotes.

Submissions (4):

GeneDx
Classification: Uncertain significance. Last evaluated: 2025-06-19. Review status: criteria provided, single submitter. Criteria: GeneDx Variant Classification Process June 2021. Collection method: clinical testing. Allele origin: germline. Affected: yes.
Comment: In silico analysis supports that this missense variant has a deleterious effect on protein structure/function; Not observed at significant frequency in large population cohorts (gnomAD); This variant is associated with the following publications: (PMID: 32467589)

Genome-Nilou Lab
Classification: Uncertain significance for Retinitis pigmentosa 39. Last evaluated: 2023-11-04. Review status: criteria provided, single submitter. Criteria: ACMG Guidelines, 2015. Collection method: clinical testing. Allele origin: germline. Affected: no.

Genome-Nilou Lab
Classification: Uncertain significance for Usher syndrome type 2A. Last evaluated: 2023-11-04. Review status: criteria provided, single submitter. Criteria: ACMG Guidelines, 2015. Collection method: clinical testing. Allele origin: germline. Affected: no.

Labcorp Genetics (formerly Invitae), Labcorp
Classification: Uncertain significance. Last evaluated: 2021-09-17. Review status: criteria provided, single submitter. Criteria: Invitae Variant Classification Sherloc (09022015). Collection method: clinical testing. Allele origin: germline.
Comment: This sequence change replaces glycine with aspartic acid at codon 3269 of the USH2A protein (p.Gly3269Asp). The glycine residue is highly conserved and there is a moderate physicochemical difference between glycine and aspartic acid. This variant is present in population databases (rs762076576, ExAC 0.02%). This variant has not been reported in the literature in individuals with USH2A-related conditions. Algorithms developed to predict the effect of missense changes on protein structure and function are either unavailable or do not agree on the potential impact of this missense change (SIFT: "Tolerated"; PolyPhen-2: "Possibly Damaging"; Align-GVGD: "Class C0"). In summary, the available evidence is currently insufficient to determine the role of this variant in disease. Therefore, it has been classified as a Variant of Uncertain Significance.